The following is an entry in ClinVar:

ClinVar aggregate classification (germline): Uncertain significance (1 of 4 stars; one submission).

Conditions:
Inborn genetic diseases. Identifiers: MedGen C0950123, MeSH D030342.

Allele frequency attached by ClinVar (database versions not stated): gnomAD 0.00001; gnomAD exomes 0.00001; TOPMed 0.00001; ExAC 0.00002.
gnomAD v4.1: 13 of 1,614,018 alleles (0.00081%); highest among the groups gnomAD compares: Admixed American, 0.0017%; no homozygotes.

Submission:

Ambry Genetics
Classification: Uncertain significance for Inborn genetic diseases. Last evaluated: 2019-12-11. Review status: criteria provided, single submitter. Criteria: Ambry Variant Classification Scheme 2023. Collection method: clinical testing. Allele origin: germline.
Comment: The p.T2653I variant (also known as c.7958C>T), located in coding exon 24 of the SETX gene, results from a C to T substitution at nucleotide position 7958. The threonine at codon 2653 is replaced by isoleucine, an amino acid with similar properties. This amino acid position is poorly conserved in available vertebrate species. In addition, this alteration is predicted to be tolerated by in silico analysis. Since supporting evidence is limited at this time, the clinical significance of this alteration remains unclear.

NM_015046.7(SETX):c.7958C>T (p.Thr2653Ile)

Gene: SETX (senataxin; minus strand). Cytogenetic location: 9q34.13.
Variant type: single nucleotide variant.
Coding change: c.7958C>T on transcript NM_015046.7 (MANE Select); coding-DNA position 7958, C replaced by T.
Protein change: p.Thr2653Ile; replaces threonine 2653 with isoleucine.
Molecular consequence: missense variant.
Genome position (GRCh38, 1-based): chr9:132,264,315, G>A on the plus strand (C>T on the coding strand, the complement: SETX is on the minus strand). VCF-style: chr9-132264315-G-A. GRCh37 (hg19) VCF-style: chr9-135139702-G-A.
Other names: c.7958C>T, p.Thr2653Ile (NM_001351527.2); c.8045C>T, p.Thr2682Ile (NM_001351528.2); short protein forms T2653I, T2682I.
Identifiers: ClinVar variation 1761374 (VCV001761374.2), dbSNP rs761431773, ClinGen allele CA5296285.